The following is an entry in ClinVar:

NM_000243.3(MEFV):c.209C>G (p.Thr70Ser)

Gene: MEFV (MEFV innate immunity regulator, pyrin; minus strand). Cytogenetic location: 16p13.3.
Variant type: single nucleotide variant.
Coding change: c.209C>G on transcript NM_000243.3 (MANE Select); coding-DNA position 209, C replaced by G.
Protein change: p.Thr70Ser; replaces threonine 70 with serine.
Molecular consequence: missense variant.
Genome position (GRCh38, 1-based): chr16:3,256,379, G>C on the plus strand (C>G on the coding strand, the complement: MEFV is on the minus strand). VCF-style: chr16-3256379-G-C. GRCh37 (hg19) VCF-style: chr16-3306379-G-C.
Other names: c.209C>G, p.Thr70Ser (NM_001198536.2); short protein forms T70S.
Identifiers: ClinVar variation 857995 (VCV000857995.7), dbSNP rs775224100, ClinGen allele CA394483717.

ClinVar aggregate classification (germline): Uncertain significance (1 of 4 stars; one submission).

Conditions:
Familial Mediterranean fever (FMF). Also called: POLYSEROSITIS, FAMILIAL PAROXYSMAL; POLYSEROSITIS, RECURRENT; Periodic peritonitis; Benign paroxysmal peritonitis. Identifiers: Orphanet 342, MedGen C0031069, MONDO:0018088, OMIM 249100. Disease mechanism: gain of function.

Submission:

Labcorp Genetics (formerly Invitae), Labcorp
Classification: Uncertain significance for Familial Mediterranean fever. Last evaluated: 2022-11-15. Review status: criteria provided, single submitter. Criteria: Invitae Variant Classification Sherloc (09022015). Collection method: clinical testing. Allele origin: germline.
Comment: In summary, the available evidence is currently insufficient to determine the role of this variant in disease. Therefore, it has been classified as a Variant of Uncertain Significance. Algorithms developed to predict the effect of missense changes on protein structure and function are either unavailable or do not agree on the potential impact of this missense change (SIFT: "Tolerated"; PolyPhen-2: "Probably Damaging"; Align-GVGD: "Class C0"). ClinVar contains an entry for this variant (Variation ID: 857995). This variant has not been reported in the literature in individuals affected with MEFV-related conditions. This variant is not present in population databases (gnomAD no frequency). This sequence change replaces threonine, which is neutral and polar, with serine, which is neutral and polar, at codon 70 of the MEFV protein (p.Thr70Ser).